The following is an entry in ClinVar:

ClinVar aggregate classification (germline): Uncertain significance (1 of 4 stars; one submission).

Submission:

Women's Health and Genetics/Laboratory Corporation of America, LabCorp
Classification: Uncertain significance. Last evaluated: 2025-07-01. Review status: criteria provided, single submitter. Criteria: LabCorp Variant Classification Summary - May 2015. Collection method: clinical testing. Allele origin: germline.
Comment: Variant summary: COL4A3 c.3443C>T (p.Pro1148Leu) results in a non-conservative amino acid change located in the Collagen triple helix repeat (20 copies) (IPR008160) of the encoded protein sequence. Algorithms developed to predict the effect of missense changes on protein structure and function all suggest that this variant is likely to be disruptive. The variant was absent in 249428 control chromosomes. The available data on variant occurrences in the general population are insufficient to allow any conclusion about variant significance. To our knowledge, no occurrence of c.3443C>T in individuals affected with Alport Syndrome, Autosomal Recessive and no experimental evidence demonstrating its impact on protein function have been reported. No submitters have cited clinical-significance assessments for this variant to ClinVar. Based on the evidence outlined above, the variant was classified as uncertain significance.

NM_000091.5(COL4A3):c.3443C>T (p.Pro1148Leu)

Genes: COL4A3 (collagen type IV alpha 3 chain; plus strand), MFF-DT (MFF divergent transcript; minus strand). Cytogenetic location: 2q36.3.
Variant type: single nucleotide variant.
Coding change: c.3443C>T on transcript NM_000091.5 (MANE Select); coding-DNA position 3443, C replaced by T.
Protein change: p.Pro1148Leu; replaces proline 1148 with leucine.
Molecular consequence: missense variant.
Genome position (GRCh38, 1-based): chr2:227,294,988, C>T. VCF-style: chr2-227294988-C-T. GRCh37 (hg19) VCF-style: chr2-228159704-C-T.
Other names: short protein forms P1148L.
Identifiers: ClinVar variation 3912016 (VCV003912016.2).